The following is an entry in ClinVar:

NM_000245.4(MET):c.1747A>G (p.Ile583Val)

Gene: MET (MET proto-oncogene, receptor tyrosine kinase; plus strand). Cytogenetic location: 7q31.2.
Variant type: single nucleotide variant.
Coding change: c.1747A>G on transcript NM_000245.4 (MANE Select); coding-DNA position 1747, A replaced by G.
Protein change: p.Ile583Val; replaces isoleucine 583 with valine.
Molecular consequence: missense variant.
Genome position (GRCh38, 1-based): chr7:116,755,400, A>G. VCF-style: chr7-116755400-A-G. GRCh37 (hg19) VCF-style: chr7-116395454-A-G.
Other names: c.1747A>G, p.Ile583Val (NM_001127500.3, NM_001324401.3); c.457A>G, p.Ile153Val (NM_001324402.2); short protein forms I153V, I583V.
Identifiers: ClinVar variation 2794748 (VCV002794748.3), dbSNP rs1289697844, ClinGen allele CA368977695.

ClinVar aggregate classification (germline): Uncertain significance (1 of 4 stars; one submission).

Conditions:
Renal cell carcinoma. Identifiers: Orphanet 217071, MedGen C0007134, MeSH D002292, MONDO:0005086, HP:0005584.

Submission:

Labcorp Genetics (formerly Invitae), Labcorp
Classification: Uncertain significance for Renal cell carcinoma. Last evaluated: 2023-05-09. Review status: criteria provided, single submitter. Criteria: Invitae Variant Classification Sherloc (09022015). Collection method: clinical testing. Allele origin: germline.
Comment: This sequence change replaces isoleucine, which is neutral and non-polar, with valine, which is neutral and non-polar, at codon 583 of the MET protein (p.Ile583Val). This variant is not present in population databases (gnomAD no frequency). This variant has not been reported in the literature in individuals affected with MET-related conditions. Advanced modeling of protein sequence and biophysical properties (such as structural, functional, and spatial information, amino acid conservation, physicochemical variation, residue mobility, and thermodynamic stability) performed at Invitae indicates that this missense variant is not expected to disrupt MET protein function. In summary, the available evidence is currently insufficient to determine the role of this variant in disease. Therefore, it has been classified as a Variant of Uncertain Significance.